The following is an entry in ClinVar:

NM_000747.3(CHRNB1):c.71C>T (p.Ser24Leu)

Gene: CHRNB1 (cholinergic receptor nicotinic beta 1 subunit; plus strand). Cytogenetic location: 17p13.1.
Variant type: single nucleotide variant.
Coding change: c.71C>T on transcript NM_000747.3 (MANE Select); coding-DNA position 71, C replaced by T.
Protein change: p.Ser24Leu; replaces serine 24 with leucine.
Molecular consequence: missense variant.
Genome position (GRCh38, 1-based): chr17:7,445,282, C>T. VCF-style: chr17-7445282-C-T. GRCh37 (hg19) VCF-style: chr17-7348601-C-T.
Other names: short protein forms S24L.
Identifiers: ClinVar variation 2540952 (VCV002540952.5), dbSNP rs768484065, ClinGen allele CA397786584.

ClinVar aggregate classification (germline): Uncertain significance. Review status: criteria provided, multiple submitters, no conflicts (2 of 4 stars). 2 submissions from 2 submitters: Uncertain significance (2). Last evaluated 2023-10-13.

Conditions:
Congenital myasthenic syndrome 2A. Also called: Myasthenic syndrome, congenital, 2a, slow-channel. Identifiers: Orphanet 590, MedGen C4225374, MONDO:0014581, OMIM 616313.
Inborn genetic diseases. Identifiers: MedGen C0950123, MeSH D030342.

Submissions (2):

Labcorp Genetics (formerly Invitae), Labcorp
Classification: Uncertain significance for Congenital myasthenic syndrome 2A. Last evaluated: 2023-10-13. Review status: criteria provided, single submitter. Criteria: Invitae Variant Classification Sherloc (09022015). Collection method: clinical testing. Allele origin: germline.
Comment: This sequence change replaces serine, which is neutral and polar, with leucine, which is neutral and non-polar, at codon 24 of the CHRNB1 protein (p.Ser24Leu). This variant is not present in population databases (gnomAD no frequency). This variant has not been reported in the literature in individuals affected with CHRNB1-related conditions. ClinVar contains an entry for this variant (Variation ID: 2540952). Advanced modeling of protein sequence and biophysical properties (such as structural, functional, and spatial information, amino acid conservation, physicochemical variation, residue mobility, and thermodynamic stability) performed at Invitae indicates that this missense variant is not expected to disrupt CHRNB1 protein function. In summary, the available evidence is currently insufficient to determine the role of this variant in disease. Therefore, it has been classified as a Variant of Uncertain Significance.

Ambry Genetics
Classification: Uncertain significance for Inborn genetic diseases. Last evaluated: 2023-04-26. Review status: criteria provided, single submitter. Criteria: Ambry Variant Classification Scheme 2023. Collection method: clinical testing. Allele origin: germline.